The following is an entry in ClinVar:

ClinVar aggregate classification (germline): Likely benign (1 of 4 stars; one submission).

gnomAD v4.1: 90 of 1,611,216 alleles (0.0056%); highest among the groups gnomAD compares: Middle Eastern, 0.066%; no homozygotes.

Submission:

CeGaT Center for Human Genetics Tuebingen
Classification: Likely benign. Last evaluated: 2024-11-01. Review status: criteria provided, single submitter. Criteria: CeGaT Center For Human Genetics Tuebingen Variant Classification Criteria Version 2. Collection method: clinical testing. Allele origin: germline. Affected: yes. Observed: 1 variant allele.
Comment: LINGO1: BP4, BP7

NM_032808.7(LINGO1):c.324C>T (p.Ser108=)

Gene: LINGO1 (leucine rich repeat and Ig domain containing 1; minus strand). Cytogenetic location: 15q24.3.
Variant type: single nucleotide variant.
Coding change: c.324C>T on transcript NM_032808.7 (MANE Select); coding-DNA position 324, C replaced by T.
Protein change: p.Ser108=; no amino-acid change (serine 108 retained).
Molecular consequence: synonymous variant.
Genome position (GRCh38, 1-based): chr15:77,615,583, G>A on the plus strand (C>T on the coding strand, the complement: LINGO1 is on the minus strand). VCF-style: chr15-77615583-G-A. GRCh37 (hg19) VCF-style: chr15-77907925-G-A.
Other names: c.306C>T, p.Ser102= (NM_001301186.2, NM_001301187.2, NM_001301189.2 and 8 more transcripts).
Identifiers: ClinVar variation 3388425 (VCV003388425.14).